The following is an entry in ClinVar:

ClinVar aggregate classification (germline): Likely benign. Review status: criteria provided, multiple submitters, no conflicts (2 of 4 stars). 3 submissions from 3 submitters: Likely benign (2). 1 of the submissions does not count toward it. Last evaluated 2026-05-13.

Conditions:
JAK1-related disorder. Also called: JAK1-related condition.

Allele frequency attached by ClinVar (database versions not stated): gnomAD 0.00001 and 0.00016; TOPMed 0.00001; gnomAD exomes 0.00029 and 0.00056; ExAC 0.00071; 1000 Genomes Project 30x 0.00125; 1000 Genomes Project 0.00140.
gnomAD v4.1: 455 of 1,588,604 alleles (0.029%); highest among the groups gnomAD compares: South Asian, 0.47%; 4 homozygotes.

Submissions (3):

PreventionGenetics, part of Exact Sciences
Classification: Likely benign for JAK1-related condition. Last evaluated: 2026-05-13. Review status: criteria provided, single submitter. Criteria: ACMG Guidelines, 2015. Collection method: clinical testing. Allele origin: germline.
Comment: This variant is classified as likely benign based on ACMG/AMP sequence variant interpretation guidelines (Richards et al. 2015 PMID: 25741868, with internal and published modifications).

Labcorp Genetics (formerly Invitae), Labcorp
Classification: Likely benign. Last evaluated: 2026-01-24. Review status: criteria provided, single submitter. Criteria: Invitae Variant Classification Sherloc (09022015). Collection method: clinical testing. Allele origin: germline.

ITMI
No classification provided. Condition: AllHighlyPenetrant. Last evaluated: 2013-09-19. Review status: no classification provided. Collection method: reference population. Allele origin: germline. Not counted in ClinVar's aggregate classification.
Comment: Please see associated publication for description of ethnicities

Literature cited by the submitters: PubMed 24728327 (cited by ITMI).

NM_002227.4(JAK1):c.3463T>C (p.Ter1155Gln)

Gene: JAK1 (Janus kinase 1; minus strand). Cytogenetic location: 1p31.3.
Variant type: single nucleotide variant.
Coding change: c.3463T>C on transcript NM_002227.4 (MANE Select); coding-DNA position 3463, T replaced by C.
Protein change: p.Ter1155Gln.
Molecular consequence: stop lost.
Genome position (GRCh38, 1-based): chr1:64,834,564, A>G on the plus strand (T>C on the coding strand, the complement: JAK1 is on the minus strand). VCF-style: chr1-64834564-A-G. GRCh37 (hg19) VCF-style: chr1-65300247-A-G.
Other names: *1155Q; *1154Q; c.3463T>C (NM_002227.3); c.3463T>C, p.Ter1155Gln (NM_001320923.2, NM_001321852.2, NM_001321853.2 and 3 more transcripts); c.3460T>C, p.Ter1154Gln (NM_001321857.2).
Identifiers: ClinVar variation 134547 (VCV000134547.10), dbSNP rs200563303, ClinGen allele CA160150.